The following is an entry in ClinVar:

ClinVar aggregate classification (germline): Benign/Likely benign. Review status: criteria provided, multiple submitters, no conflicts (2 of 4 stars). 4 submissions from 4 submitters: Benign (2); Likely benign (1). 1 of the submissions does not count toward it. Last evaluated 2022-11-01.

Conditions:
PTPRD-related disorder. Also called: PTPRD-related condition.

Allele frequency attached by ClinVar (database versions not stated): 1000 Genomes Project 30x 0.00125; 1000 Genomes Project 0.00140; ExAC 0.00143; gnomAD 0.00144 and 0.00146; gnomAD exomes 0.00148 and 0.00228; TOPMed 0.00167; ESP Exome Variant Server 0.00223.
gnomAD v4.1: 3,509 of 1,613,714 alleles (0.22%); highest among the groups gnomAD compares: Non-Finnish European, 0.27%; 7 homozygotes.

Submissions (4):

CeGaT Center for Human Genetics Tuebingen
Classification: Likely benign. Last evaluated: 2022-11-01. Review status: criteria provided, single submitter. Criteria: CeGaT Center For Human Genetics Tuebingen Variant Classification Criteria Version 2. Collection method: clinical testing. Allele origin: germline. Affected: yes. Observed: 1 variant allele.
Comment: PTPRD: BP4, BP7

Labcorp Genetics (formerly Invitae), Labcorp
Classification: Benign. Last evaluated: 2018-10-19. Review status: criteria provided, single submitter. Criteria: Invitae Variant Classification Sherloc (09022015). Collection method: clinical testing. Allele origin: germline.

Breakthrough Genomics
Classification: Benign. Review status: criteria provided, single submitter. Criteria: ACMG Guidelines, 2015. Collection method: not provided. Allele origin: germline. Inheritance: Unknown mechanism. Affected: yes.

PreventionGenetics, part of Exact Sciences
Classification: Likely benign for PTPRD-related condition. Last evaluated: 2019-08-15. Review status: no assertion criteria provided. Collection method: clinical testing. Allele origin: germline. Not counted in ClinVar's aggregate classification.
Comment: This variant is classified as likely benign based on ACMG/AMP sequence variant interpretation guidelines (Richards et al. 2015 PMID: 25741868, with internal and published modifications).

NM_002839.4(PTPRD):c.5472C>T (p.Ile1824=)

Gene: PTPRD (protein tyrosine phosphatase receptor type D; minus strand). Cytogenetic location: 9p24.1.
Variant type: single nucleotide variant.
Coding change: c.5472C>T on transcript NM_002839.4 (MANE Select); coding-DNA position 5472, C replaced by T.
Protein change: p.Ile1824=; no amino-acid change (isoleucine 1824 retained).
Molecular consequence: synonymous variant.
Genome position (GRCh38, 1-based): chr9:8,331,644, G>A on the plus strand (C>T on the coding strand, the complement: PTPRD is on the minus strand). VCF-style: chr9-8331644-G-A. GRCh37 (hg19) VCF-style: chr9-8331644-G-A.
Other names: c.4242C>T, p.Ile1414= (NM_001040712.2); c.4251C>T, p.Ile1417= (NM_001171025.2, NM_130391.4); c.4263C>T, p.Ile1421= (NM_001377946.1); c.4233C>T, p.Ile1411= (NM_001377947.1); c.5532C>T, p.Ile1844= (NM_001377958.1); c.5487C>T, p.Ile1829= (NM_001378058.1); c.4254C>T, p.Ile1418= (NM_130392.3); c.4224C>T, p.Ile1408= (NM_130393.3).
Identifiers: ClinVar variation 734322 (VCV000734322.29), dbSNP rs140620944, ClinGen allele CA4983026.